The following is an entry in ClinVar:

ClinVar aggregate classification (germline): Uncertain significance (1 of 4 stars; one submission).

Allele frequency attached by ClinVar (database versions not stated): gnomAD 0.00001; gnomAD exomes 0.00001; TOPMed 0.00001.
gnomAD v4.1: 6 of 1,614,130 alleles (0.00037%); highest among the groups gnomAD compares: Admixed American, 0.01%; no homozygotes.

Submission:

Labcorp Genetics (formerly Invitae), Labcorp
Classification: Uncertain significance. Last evaluated: 2020-09-18. Review status: criteria provided, single submitter. Criteria: Invitae Variant Classification Sherloc (09022015). Collection method: clinical testing. Allele origin: germline.
Comment: In summary, the available evidence is currently insufficient to determine the role of this variant in disease. Therefore, it has been classified as a Variant of Uncertain Significance. Algorithms developed to predict the effect of missense changes on protein structure and function are either unavailable or do not agree on the potential impact of this missense change (SIFT: "Deleterious"; PolyPhen-2: "Benign"; Align-GVGD: "Class C45"). This variant has not been reported in the literature in individuals with RHO-related conditions. This variant is not present in population databases (ExAC no frequency). This sequence change replaces asparagine with serine at codon 151 of the RHO protein (p.Asn151Ser). The asparagine residue is highly conserved and there is a small physicochemical difference between asparagine and serine.

NM_000539.3(RHO):c.452A>G (p.Asn151Ser)

Gene: RHO (rhodopsin; plus strand). Cytogenetic location: 3q22.1.
Variant type: single nucleotide variant.
Coding change: c.452A>G on transcript NM_000539.3 (MANE Select); coding-DNA position 452, A replaced by G.
Protein change: p.Asn151Ser; replaces asparagine 151 with serine.
Molecular consequence: missense variant.
Genome position (GRCh38, 1-based): chr3:129,530,966, A>G. VCF-style: chr3-129530966-A-G. GRCh37 (hg19) VCF-style: chr3-129249809-A-G.
Other names: short protein forms N151S.
Identifiers: ClinVar variation 935409 (VCV000935409.9), dbSNP rs1381050525, ClinGen allele CA354498309.